The following is an entry in ClinVar:

ClinVar aggregate classification (germline): Pathogenic (1 of 4 stars; one submission).

Conditions:
SALL4-Related Disorders. Also called: SALL4-related disorder; SALL4-related condition. Identifiers: MedGen CN381056.

Submission:

PreventionGenetics, part of Exact Sciences
Classification: Pathogenic for SALL4-related condition. Last evaluated: 2025-09-22. Review status: criteria provided, single submitter. Criteria: ACMG Guidelines, 2015. Collection method: clinical testing. Allele origin: germline.
Comment: The SALL4 c.1047dupC variant is predicted to result in a frameshift and premature protein termination (p.Thr350Hisfs*36). To our knowledge, this variant has not been reported in the literature or in a large population database (gnomAD), indicating this variant is rare. Frameshift variants in SALL4 are expected to be pathogenic. This variant is interpreted as pathogenic.

NM_020436.5(SALL4):c.1047dup (p.Thr350fs)

Gene: SALL4 (spalt like transcription factor 4; minus strand). Cytogenetic location: 20q13.2.
Variant type: Duplication.
Coding change: c.1047dup on transcript NM_020436.5 (MANE Select); coding-DNA position 1047, one base duplicated (C; older notation c.1047dupC).
Protein change: p.Thr350fs; shifts the reading frame from threonine 350.
Molecular consequence: frameshift variant.
Genome position (GRCh38, 1-based): chr20:51,791,436, G duplicated on the plus strand (C on the coding strand, the reverse complement: SALL4 is on the minus strand); the first of 2 consecutive G bases (chr20:51,791,436-51,791,437); duplicating either gives the same sequence. VCF-style (leftmost placement, unchanged base first): chr20-51791435-T-TG. GRCh37 (hg19) VCF-style: chr20-50407974-T-TG.
Other names: c.1047dup, p.Thr350fs (NM_001318031.2); short protein forms T350fs.
Identifiers: ClinVar variation 4992047 (VCV004992047.1).